The following is an entry in ClinVar:

ClinVar aggregate classification (germline): Uncertain significance. Review status: criteria provided, multiple submitters, no conflicts (2 of 4 stars). 2 submissions from 2 submitters: Uncertain significance (2). Last evaluated 2026-07-07.

Conditions:
PLXNA3-related disorder. Also called: PLXNA3-related condition.

Allele frequency attached by ClinVar (database versions not stated): ExAC 0.00009; gnomAD 0.00019; TOPMed 0.00020.
gnomAD v4.1: 91 of 1,203,852 alleles (0.0076%); highest among the groups gnomAD compares: African/African-American, 0.059%; no homozygotes.

Submissions (2):

PreventionGenetics, part of Exact Sciences
Classification: Uncertain significance for PLXNA3-related condition. Last evaluated: 2026-07-07. Review status: criteria provided, single submitter. Criteria: ACMG Guidelines, 2015. Collection method: clinical testing. Allele origin: germline.
Comment: The PLXNA3 c.277G>A variant is predicted to result in the amino acid substitution p.Val93Met. To our knowledge, this variant has not been reported in the literature. This variant is reported in 0.14% of alleles in individuals of Ashkenazi Jewish descent in gnomAD, which is more common than expected for an undocumented cause of disease. Although we suspect that this variant may be benign, at this time, the clinical significance of this variant is uncertain due to the absence of conclusive functional and genetic evidence.

Ambry Genetics
Classification: Uncertain significance. Last evaluated: 2024-01-16. Review status: criteria provided, single submitter. Criteria: Ambry Variant Classification Scheme 2023. Collection method: clinical testing. Allele origin: germline.

NM_017514.5(PLXNA3):c.277G>A (p.Val93Met)

Gene: PLXNA3 (plexin A3; plus strand). Cytogenetic location: Xq28.
Variant type: single nucleotide variant.
Coding change: c.277G>A on transcript NM_017514.5 (MANE Select); coding-DNA position 277, G replaced by A.
Protein change: p.Val93Met; replaces valine 93 with methionine.
Molecular consequence: missense variant.
Genome position (GRCh38, 1-based): chrX:154,460,460, G>A. VCF-style: chrX-154460460-G-A. GRCh37 (hg19) VCF-style: chrX-153688800-G-A.
Other names: short protein forms V93M.
Identifiers: ClinVar variation 3215558 (VCV003215558.3), dbSNP rs782400956, ClinGen allele CA10563652.